The following is an entry in ClinVar:

NM_173689.7(CRB2):c.1051G>A (p.Ala351Thr)

Gene: CRB2 (crumbs cell polarity complex component 2; plus strand). Cytogenetic location: 9q33.3.
Variant type: single nucleotide variant.
Coding change: c.1051G>A on transcript NM_173689.7 (MANE Select); coding-DNA position 1051, G replaced by A.
Protein change: p.Ala351Thr; replaces alanine 351 with threonine.
Molecular consequence: missense variant.
Genome position (GRCh38, 1-based): chr9:123,367,683, G>A. VCF-style: chr9-123367683-G-A. GRCh37 (hg19) VCF-style: chr9-126129962-G-A.
Other names: short protein forms A351T.
Identifiers: ClinVar variation 959379 (VCV000959379.6), dbSNP rs199679542, ClinGen allele CA5231877.
Genomic context (GRCh38, chr9:123,367,683, plus strand): 5'-AACGGAGGCCACTGCCAGGACCTGCCCAATGGCTTCCAGTGTCACTGCCCAGATGGCTAC[G>A]CAGGTGTCTGGGGTGGGGTGGGCCCTGGGACCATCAGAATTGGTGGTCCTCAGGTGAGAA-3'
Protein context (NP_775960.4, residues 341-361): GFQCHCPDGY[Ala351Thr]GPTCEEDVDE

ClinVar aggregate classification (germline): Uncertain significance. Review status: criteria provided, multiple submitters, no conflicts (2 of 4 stars). 2 submissions from 2 submitters: Uncertain significance (2). Last evaluated 2024-08-21.

Allele frequency attached by ClinVar (database versions not stated): gnomAD exomes 0.00006; gnomAD 0.00011; TOPMed 0.00012; ExAC 0.00009; ESP Exome Variant Server 0.00008.
gnomAD v4.1: 98 of 1,553,214 alleles (0.0063%); highest among the groups gnomAD compares: Middle Eastern, 0.034%; no homozygotes.

Submissions (2):

GeneDx
Classification: Uncertain significance. Last evaluated: 2024-08-21. Review status: criteria provided, single submitter. Criteria: GeneDx Variant Classification Process June 2021. Collection method: clinical testing. Allele origin: germline. Affected: yes.
Comment: Reported in the heterozygous state without a second variant in a patient with retinitis pigmentosa (PMID: 15851977); In silico analysis indicates that this missense variant does not alter protein structure/function; This variant is associated with the following publications: (PMID: 15851977)

Labcorp Genetics (formerly Invitae), Labcorp
Classification: Uncertain significance. Last evaluated: 2021-12-12. Review status: criteria provided, single submitter. Criteria: Invitae Variant Classification Sherloc (09022015). Collection method: clinical testing. Allele origin: germline.
Comment: Advanced modeling of protein sequence and biophysical properties (such as structural, functional, and spatial information, amino acid conservation, physicochemical variation, residue mobility, and thermodynamic stability) performed at Invitae indicates that this missense variant is not expected to disrupt CRB2 protein function. In summary, the available evidence is currently insufficient to determine the role of this variant in disease. Therefore, it has been classified as a Variant of Uncertain Significance. ClinVar contains an entry for this variant (Variation ID: 959379). This variant has not been reported in the literature in individuals affected with CRB2-related conditions. This variant is present in population databases (rs199679542, gnomAD 0.01%). This sequence change replaces alanine, which is neutral and non-polar, with threonine, which is neutral and polar, at codon 351 of the CRB2 protein (p.Ala351Thr).